The following is an entry in ClinVar:

NM_002529.4(NTRK1):c.1251+3G>A

Gene: NTRK1 (neurotrophic receptor tyrosine kinase 1; plus strand). Cytogenetic location: 1q23.1.
Variant type: single nucleotide variant.
Coding change: c.1251+3G>A on transcript NM_002529.4 (MANE Select); 3 bases into the intron after coding-DNA position 1251, G replaced by A.
Molecular consequence: intron variant.
Genome position (GRCh38, 1-based): chr1:156,874,629, G>A. VCF-style: chr1-156874629-G-A. GRCh37 (hg19) VCF-style: chr1-156844421-G-A.
Other names: c.1143+3G>A (NM_001007792.1); c.1233+3G>A (NM_001012331.2).
Identifiers: ClinVar variation 3702742 (VCV003702742.2).

ClinVar aggregate classification (germline): Uncertain significance (1 of 4 stars; one submission).

Conditions:
Hereditary insensitivity to pain with anhidrosis (CIPA). Also called: FAMILIAL DYSAUTONOMIA, TYPE II; hereditary sensory and autonomic neuropathy type 4; INSENSITIVITY TO PAIN, CONGENITAL, WITH ANHIDROSIS; NTRK1 Congenital Insensitivity to Pain with Anhidrosis; HSAN Type IV; NEUROPATHY, CONGENITAL SENSORY, WITH ANHIDROSIS. Identifiers: Orphanet 642, MedGen C0020074, MONDO:0009746, OMIM 256800.

gnomAD v4.1: 2 of 1,613,106 alleles (0.00012%); highest among the groups gnomAD compares: East Asian, 0.0045%; no homozygotes.

Submission:

Labcorp Genetics (formerly Invitae), Labcorp
Classification: Uncertain significance for Hereditary insensitivity to pain with anhidrosis. Last evaluated: 2024-12-08. Review status: criteria provided, single submitter. Criteria: Invitae Variant Classification Sherloc (09022015). Collection method: clinical testing. Allele origin: germline.
Comment: This sequence change falls in intron 9 of the NTRK1 gene. It does not directly change the encoded amino acid sequence of the NTRK1 protein. It affects a nucleotide within the consensus splice site. This variant is present in population databases (no rsID available, gnomAD 0.006%). This variant has not been reported in the literature in individuals affected with NTRK1-related conditions. Variants that disrupt the consensus splice site are a relatively common cause of aberrant splicing (PMID: 17576681, 9536098). Algorithms developed to predict the effect of sequence changes on RNA splicing suggest that this variant is not likely to affect RNA splicing. In summary, the available evidence is currently insufficient to determine the role of this variant in disease. Therefore, it has been classified as a Variant of Uncertain Significance.

Literature cited by the submitters: PubMed 17576681; PubMed 9536098.